The following is an entry in ClinVar:

NM_000179.3(MSH6):c.164C>T (p.Pro55Leu)

Gene: MSH6 (mutS homolog 6; plus strand). Cytogenetic location: 2p16.3.
Variant type: single nucleotide variant.
Coding change: c.164C>T on transcript NM_000179.3 (MANE Select); coding-DNA position 164, C replaced by T.
Protein change: p.Pro55Leu; replaces proline 55 with leucine.
Molecular consequence: missense variant. On other transcripts: 5 prime UTR variant (1).
Genome position (GRCh38, 1-based): chr2:47,783,397, C>T. VCF-style: chr2-47783397-C-T. GRCh37 (hg19) VCF-style: chr2-48010536-C-T.
Other names: c.164C>T, p.Pro55Leu (NM_001281492.2); c.-573C>T (NM_001281493.2); short protein forms P55L.
Identifiers: ClinVar variation 491878 (VCV000491878.13), dbSNP rs1342218617, ClinGen allele CA346734977.

ClinVar aggregate classification (germline): Uncertain significance. Review status: criteria provided, multiple submitters, no conflicts (2 of 4 stars). 3 submissions from 3 submitters: Uncertain significance (3). Last evaluated 2025-11-24.

Conditions:
Hereditary nonpolyposis colorectal neoplasms. Identifiers: MedGen C0009405, MeSH D003123.
Hereditary cancer-predisposing syndrome. Also called: Hereditary neoplastic syndrome; Tumor predisposition; Hereditary Cancer Syndrome; Neoplastic Syndromes, Hereditary. Identifiers: Orphanet 140162, MedGen C0027672, MeSH D009386, MONDO:0015356.

Allele frequency attached by ClinVar (database versions not stated): gnomAD exomes below 0.00001; TOPMed 0.00001.
gnomAD v4.1: 2 of 1,570,418 alleles (0.00013%); highest among the groups gnomAD compares: East Asian, 0.0047%; no homozygotes.

Submissions (3):

Ambry Genetics
Classification: Uncertain significance for Hereditary cancer-predisposing syndrome. Last evaluated: 2025-11-24. Review status: criteria provided, single submitter. Criteria: Ambry Variant Classification Scheme 2023. Collection method: clinical testing. Allele origin: germline.
Comment: The p.P55L variant (also known as c.164C>T), located in coding exon 1 of the MSH6 gene, results from a C to T substitution at nucleotide position 164. The proline at codon 55 is replaced by leucine, an amino acid with similar properties. This amino acid position is not well conserved in available vertebrate species. In addition, the in silico prediction for this alteration is inconclusive. Based on the available evidence, the clinical significance of this variant remains unclear.

Color Diagnostics, LLC DBA Color Health
Classification: Uncertain significance for Hereditary cancer-predisposing syndrome. Last evaluated: 2024-03-06. Review status: criteria provided, single submitter. Criteria: ACMG Guidelines, 2015. Collection method: clinical testing. Allele origin: germline.
Comment: This missense variant replaces proline with leucine at codon 55 of the MSH6 protein. Computational prediction suggests that this variant may not impact protein structure and function (internally defined REVEL score threshold <= 0.5, PMID: 27666373). To our knowledge, functional studies have not been reported for this variant. This variant has not been reported in individuals affected with MSH6-related disorders in the literature. This variant has not been identified in the general population by the Genome Aggregation Database (gnomAD). The available evidence is insufficient to determine the role of this variant in disease conclusively. Therefore, this variant is classified as a Variant of Uncertain Significance.

Labcorp Genetics (formerly Invitae), Labcorp
Classification: Uncertain significance for Hereditary nonpolyposis colorectal neoplasms. Last evaluated: 2023-02-08. Review status: criteria provided, single submitter. Criteria: Invitae Variant Classification Sherloc (09022015). Collection method: clinical testing. Allele origin: germline.
Comment: This sequence change replaces proline, which is neutral and non-polar, with leucine, which is neutral and non-polar, at codon 55 of the MSH6 protein (p.Pro55Leu). The frequency data for this variant in the population databases is considered unreliable, as metrics indicate poor data quality at this position in the gnomAD database. This variant has not been reported in the literature in individuals affected with MSH6-related conditions. ClinVar contains an entry for this variant (Variation ID: 491878). Advanced modeling of protein sequence and biophysical properties (such as structural, functional, and spatial information, amino acid conservation, physicochemical variation, residue mobility, and thermodynamic stability) performed at Invitae indicates that this missense variant is not expected to disrupt MSH6 protein function. In summary, the available evidence is currently insufficient to determine the role of this variant in disease. Therefore, it has been classified as a Variant of Uncertain Significance.